The following is an entry in ClinVar:

NM_001042492.3(NF1):c.7527_7528insTA (p.Thr2510Ter)

Gene: NF1 (neurofibromin 1; plus strand). Cytogenetic location: 17q11.2.
Variant type: Insertion.
Coding change: c.7527_7528insTA on transcript NM_001042492.3 (MANE Select); coding-DNA positions 7527 to 7528, TA inserted.
Protein change: p.Thr2510Ter; replaces threonine 2510 with a stop codon.
Molecular consequence: nonsense. On other transcripts: frameshift variant (1).
Genome position: GRCh38 VCF-style: chr17-31352325-C-CAT. GRCh37 (hg19) VCF-style: chr17-29679343-C-CAT.
Other names: c.7464_7465insTA, p.Thr2489Terfs (NM_000267.4); short protein forms T2510*, T2489*.
Identifiers: ClinVar variation 2452322 (VCV002452322.2), dbSNP rs2508811738, ClinGen allele CA2580093415.

ClinVar aggregate classification (germline): Pathogenic (1 of 4 stars; one submission).

Conditions:
Hereditary cancer-predisposing syndrome. Also called: Neoplastic Syndromes, Hereditary; Tumor predisposition; Hereditary neoplastic syndrome; Hereditary Cancer Syndrome. Identifiers: Orphanet 140162, MedGen C0027672, MeSH D009386, MONDO:0015356.
Cardiovascular phenotype. Identifiers: MedGen CN230736.

Submission:

Ambry Genetics
Classification: Pathogenic for Cardiovascular phenotype; Hereditary cancer-predisposing syndrome. Last evaluated: 2023-03-08. Review status: criteria provided, single submitter. Criteria: Ambry Variant Classification Scheme 2023. Collection method: clinical testing. Allele origin: germline.
Comment: The c.7464_7465insTA variant, located in coding exon 50 of the NF1 gene, results from an insertion of two nucleotides at position 7464, causing a translational frameshift with a predicted alternate stop codon (p.T2489*). This alteration is expected to result in loss of function by premature protein truncation or nonsense-mediated mRNA decay. As such, this alteration is interpreted as a disease-causing mutation.